The following is an entry in ClinVar:

NM_016138.5(COQ7):c.466C>G (p.Leu156Val)

Gene: COQ7 (coenzyme Q7, hydroxylase; plus strand). Cytogenetic location: 16p12.3.
Variant type: single nucleotide variant.
Coding change: c.466C>G on transcript NM_016138.5 (MANE Select); coding-DNA position 466, C replaced by G.
Protein change: p.Leu156Val; replaces leucine 156 with valine.
Molecular consequence: missense variant. On other transcripts: non-coding transcript variant (3).
Genome position (GRCh38, 1-based): chr16:19,075,819, C>G. VCF-style: chr16-19075819-C-G. GRCh37 (hg19) VCF-style: chr16-19087141-C-G.
Other names: c.352C>G, p.Leu118Val (NM_001190983.2, NM_001370492.1, NM_001370493.1 and 2 more transcripts); c.424C>G, p.Leu142Val (NM_001370489.1, NM_001370491.1); c.466C>G, p.Leu156Val (NM_001370490.1); short protein forms L156V, L118V, L142V.
Identifiers: ClinVar variation 1962923 (VCV001962923.5), dbSNP rs76116361, ClinGen allele CA7933031.
Genomic context (GRCh38, chr16:19,075,819, plus strand): 5'-GCCTGCACCGTGGCGGTGGAAGAGAGCATAGCACATCACTACAACAACCAGATCAGGACG[C>G]TGATGGAGGAGGACCCTGAAAAATACGAGGAACTTCTTCAGGTATTTATCCGTGCTCTAG-3'
Protein context (NP_057222.2, residues 146-166): AHHYNNQIRT[Leu156Val]MEEDPEKYEE

ClinVar aggregate classification (germline): Uncertain significance (1 of 4 stars; one submission).

Submission:

Labcorp Genetics (formerly Invitae), Labcorp
Classification: Uncertain significance. Last evaluated: 2022-05-25. Review status: criteria provided, single submitter. Criteria: Invitae Variant Classification Sherloc (09022015). Collection method: clinical testing. Allele origin: germline.
Comment: This variant is not present in population databases (gnomAD no frequency). In summary, the available evidence is currently insufficient to determine the role of this variant in disease. Therefore, it has been classified as a Variant of Uncertain Significance. Algorithms developed to predict the effect of missense changes on protein structure and function are either unavailable or do not agree on the potential impact of this missense change (SIFT: "Deleterious"; PolyPhen-2: "Probably Damaging"; Align-GVGD: "Class C15"). This variant has not been reported in the literature in individuals affected with COQ7-related conditions. This sequence change replaces leucine, which is neutral and non-polar, with valine, which is neutral and non-polar, at codon 156 of the COQ7 protein (p.Leu156Val).